The following is an entry in ClinVar:

ClinVar aggregate classification (germline): Pathogenic (1 of 4 stars; one submission).

Submission:

GeneDx
Classification: Pathogenic. Last evaluated: 2023-04-22. Review status: criteria provided, single submitter. Criteria: GeneDx Variant Classification Process June 2021. Collection method: clinical testing. Allele origin: germline. Affected: yes.
Comment: Not observed at significant frequency in large population cohorts (gnomAD); In silico analysis supports that this missense variant has a deleterious effect on protein structure/function; This variant is associated with the following publications: (PMID: 32135084)

NM_001356.5(DDX3X):c.610A>C (p.Thr204Pro)

Gene: DDX3X (DEAD-box helicase 3 X-linked; plus strand). Cytogenetic location: Xp11.4.
Variant type: single nucleotide variant.
Coding change: c.610A>C on transcript NM_001356.5 (MANE Select); coding-DNA position 610, A replaced by C.
Protein change: p.Thr204Pro; replaces threonine 204 with proline.
Molecular consequence: missense variant. On other transcripts: non-coding transcript variant (1).
Genome position (GRCh38, 1-based): chrX:41,343,282, A>C. VCF-style: chrX-41343282-A-C. GRCh37 (hg19) VCF-style: chrX-41202535-A-C.
Other names: c.610A>C, p.Thr204Pro (NM_001193416.3); c.562A>C, p.Thr188Pro (NM_001193417.3); c.52A>C, p.Thr18Pro (NM_001363819.1); short protein forms T188P, T18P, T204P.
Identifiers: ClinVar variation 2499826 (VCV002499826.1), dbSNP rs2519511257, ClinGen allele CA412768011.